The following is an entry in ClinVar:

ClinVar aggregate classification (germline): Likely benign (1 of 4 stars; one submission).

Submission:

GeneDx
Classification: Likely benign. Last evaluated: 2017-08-25. Review status: criteria provided, single submitter. Criteria: GeneDx Variant Classification (06012015). Collection method: clinical testing. Allele origin: germline. Affected: yes.
Comment: This variant is considered likely benign or benign based on one or more of the following criteria: it is a conservative change, it occurs at a poorly conserved position in the protein, it is predicted to be benign by multiple in silico algorithms, and/or has population frequency not consistent with disease.

NM_005682.7(ADGRG1):c.-155A>G

Gene: ADGRG1 (adhesion G protein-coupled receptor G1; plus strand). Cytogenetic location: 16q21.
Variant type: single nucleotide variant.
Coding change: c.-155A>G on transcript NM_005682.7; 155 bases upstream of the start codon, A replaced by G.
Molecular consequence: 5 prime UTR variant. On other transcripts: intron variant (9).
Genome position (GRCh38, 1-based): chr16:57,620,135, A>G. VCF-style: chr16-57620135-A-G. GRCh37 (hg19) VCF-style: chr16-57654047-A-G.
Other names: c.-155A>G (NM_001145770.3, NM_001370434.1, NM_001370442.1); c.-159A>G (NM_001370431.1, NM_001370437.1); c.-37A>G (NM_001370432.1, NM_001370433.1, NM_001370439.1 and 1 more transcripts); c.-721A>G (NM_001370453.1); c.-158+254A>G (NM_001370440.1); c.-154+254A>G (NM_001370428.1, NM_001370436.1, NM_001290142.2); c.-636+254A>G (NM_001370451.1); c.-36+254A>G (NM_001370430.1, NM_001370438.1); and 2 more.
Identifiers: ClinVar variation 511676 (VCV000511676.3), dbSNP rs1555528458, ClinGen allele CA658798607.